The following is an entry in ClinVar:

NM_005188.4(CBL):c.107ACC[4] (p.His40_His42del)

Genes: CBL (Cbl proto-oncogene; plus strand), LOC130006895 (ATAC-STARR-seq lymphoblastoid silent region 3975; plus strand). Cytogenetic location: 11q23.3.
Variant type: Microsatellite.
Coding change: c.107ACC[4] on transcript NM_005188.4 (MANE Select); four copies in a row of the 3-base unit ACC starting at c.107; the reference has seven copies in a row; three copies, 9 bases deleted; also written c.119_127del.
Protein change: p.His40_His42del.
Molecular consequence: inframe deletion.
Genome position (GRCh38, 1-based): chr11:119,206,536-119,206,544, ACCACCACC deleted; deleting any 9 consecutive bases within chr11:119,206,523-119,206,544 gives the same sequence; the position shown is the placement nearest the transcript's 3' end. VCF-style (leftmost placement, unchanged base first): chr11-119206522-GCACCACCAC-G. GRCh37 (hg19) VCF-style: chr11-119077232-GCACCACCAC-G.
Other names: c.119_127del (NM_005188.3); c.119_127del9 (NM_005188.3).
Identifiers: ClinVar variation 434591 (VCV000434591.14), dbSNP rs373212940, ClinGen allele CA229653669.

ClinVar aggregate classification (germline): Uncertain significance. Review status: criteria provided, multiple submitters, no conflicts (2 of 4 stars). 3 submissions from 3 submitters: Uncertain significance (3). Last evaluated 2025-10-23.

Conditions:
CBL-related disorder. Also called: CBL MUTATION-ASSOCIATED SYNDROME; CBL SYNDROME; NOONAN SYNDROME-LIKE DISORDER WITHOUT JUVENILE MYELOMONOCYTIC LEUKEMIA. Identifiers: Orphanet 363972, MedGen C3150803, MONDO:0013308, OMIM 613563.
RASopathy. Also called: Noonan spectrum disorder; rasopathies. Identifiers: Orphanet 536391, MedGen C5555857, MONDO:0021060.

Submissions (3):

Labcorp Genetics (formerly Invitae), Labcorp
Classification: Uncertain significance for RASopathy. Last evaluated: 2025-10-23. Review status: criteria provided, single submitter. Criteria: Invitae Variant Classification Sherloc (09022015). Collection method: clinical testing. Allele origin: germline.
Comment: This variant, c.119_127del, results in the deletion of 3 amino acid(s) of the CBL protein (p.His40_His42del), but otherwise preserves the integrity of the reading frame. This variant is not present in population databases (gnomAD no frequency). This variant has not been reported in the literature in individuals affected with CBL-related conditions. ClinVar contains an entry for this variant (Variation ID: 434591). Experimental studies and prediction algorithms are not available or were not evaluated, and the functional significance of this variant is currently unknown. In summary, the available evidence is currently insufficient to determine the role of this variant in disease. Therefore, it has been classified as a Variant of Uncertain Significance.

PreventionGenetics, part of Exact Sciences
Classification: Uncertain significance for CBL-related condition. Last evaluated: 2024-12-19. Review status: criteria provided, single submitter. Criteria: ACMG Guidelines, 2015. Collection method: clinical testing. Allele origin: germline.
Comment: The CBL c.119_127del9 variant is predicted to result in an in-frame deletion (p.His40_His42del). To our knowledge, this variant has not been reported in the literature or in a large population database (gnomAD), indicating this variant is rare. At this time, the clinical significance of this variant is uncertain due to the absence of conclusive functional and genetic evidence.

Genetic Services Laboratory, University of Chicago
Classification: Uncertain significance. Last evaluated: 2017-02-09. Review status: criteria provided, single submitter. Criteria: ACMG Guidelines, 2015. Collection method: clinical testing. Allele origin: germline. Affected: no.